The following is an entry in ClinVar:

NM_000264.5(PTCH1):c.4187del (p.Gly1396fs)

Gene: PTCH1 (patched 1; minus strand). Cytogenetic location: 9q22.32.
Variant type: Deletion.
Coding change: c.4187del on transcript NM_000264.5 (MANE Select); coding-DNA position 4187, one base deleted (G; older notation c.4187delG).
Protein change: p.Gly1396fs; shifts the reading frame from glycine 1396.
Molecular consequence: frameshift variant. On other transcripts: non-coding transcript variant (1).
Genome position (GRCh38, 1-based): chr9:95,447,069, C deleted on the plus strand (G on the coding strand, the reverse complement: PTCH1 is on the minus strand); the first of 5 consecutive C bases (chr9:95,447,069-95,447,073); deleting any one gives the same sequence. VCF-style (leftmost placement, unchanged base first): chr9-95447068-TC-T. GRCh37 (hg19) VCF-style: chr9-98209350-TC-T.
Other names: c.3989del, p.Gly1330fs (NM_001083602.3); c.4184del, p.Gly1395fs (NM_001083603.3); c.3734del, p.Gly1245fs (NM_001083604.3, NM_001083605.3, NM_001083606.3 and 1 more transcripts); c.4031del, p.Gly1344fs (NM_001354918.2); short protein forms G1245fs, G1330fs, G1344fs, G1395fs, G1396fs.
Identifiers: ClinVar variation 1477504 (VCV001477504.7), dbSNP rs1588510168, ClinGen allele CA2573144841.
Genomic context (GRCh38, chr9:95,447,068, plus strand): 5'-GAAAGGCACGTGGGGGTCCTCAAACAGGCCGTGGTCAGTCTCAGGGTAGCCTGGGCAGAG[TC>T]CCCCTCGGGGGTTCCGCCCAGGCCCAGGGACAGGCGGCGGGTGCACGGCGACAGTCACGG-3'

ClinVar aggregate classification (germline): Uncertain significance. Review status: criteria provided, multiple submitters, no conflicts (2 of 4 stars). 2 submissions from 2 submitters: Uncertain significance (2). Last evaluated 2023-06-27.

Conditions:
Gorlin syndrome. Also called: Nevoid Basal Cell Carcinoma Syndrome; Basal cell nevus syndrome. Identifiers: Orphanet 377, MedGen C0004779, MONDO:0007187.

Submissions (2):

Labcorp Genetics (formerly Invitae), Labcorp
Classification: Uncertain significance for Gorlin syndrome. Last evaluated: 2023-06-27. Review status: criteria provided, single submitter. Criteria: Invitae Variant Classification Sherloc (09022015). Collection method: clinical testing. Allele origin: germline.
Comment: This sequence change results in a frameshift in the PTCH1 gene (p.Gly1396Aspfs*56). While this is not anticipated to result in nonsense mediated decay, it is expected to disrupt the last 52 amino acid(s) of the PTCH1 protein and extend the protein by 3 additional amino acid residues. This variant is not present in population databases (gnomAD no frequency). This variant has not been reported in the literature in individuals affected with PTCH1-related conditions. ClinVar contains an entry for this variant (Variation ID: 1477504). In summary, the available evidence is currently insufficient to determine the role of this variant in disease. Therefore, it has been classified as a Variant of Uncertain Significance.

GeneDx
Classification: Uncertain significance. Last evaluated: 2022-06-30. Review status: criteria provided, single submitter. Criteria: GeneDx Variant Classification Process June 2021. Collection method: clinical testing. Allele origin: germline. Affected: yes.
Comment: Frameshift variant predicted to result in protein truncation as the last 52 amino acids are replaced with 55 different amino acids, although loss-of-function variants have not been reported downstream of this position in the protein; Has not been previously published as pathogenic or benign to our knowledge; Not observed at significant frequency in large population cohorts (gnomAD)